The following is an entry in ClinVar:

NM_015346.4(ZFYVE26):c.4805G>A (p.Arg1602Gln)

Gene: ZFYVE26 (zinc finger FYVE-type containing 26; minus strand). Cytogenetic location: 14q24.1.
Variant type: single nucleotide variant.
Coding change: c.4805G>A on transcript NM_015346.4 (MANE Select); coding-DNA position 4805, G replaced by A.
Protein change: p.Arg1602Gln; replaces arginine 1602 with glutamine.
Molecular consequence: missense variant.
Genome position (GRCh38, 1-based): chr14:67,777,728, C>T on the plus strand (G>A on the coding strand, the complement: ZFYVE26 is on the minus strand). VCF-style: chr14-67777728-C-T. GRCh37 (hg19) VCF-style: chr14-68244445-C-T.
Other names: short protein forms R1602Q.
Identifiers: ClinVar variation 2198645 (VCV002198645.1), dbSNP rs769331617, ClinGen allele CA7239658.

ClinVar aggregate classification (germline): Uncertain significance (1 of 4 stars; one submission).

Conditions:
Spastic paraplegia. Identifiers: MedGen C0037772, HP:0001258.

Allele frequency attached by ClinVar (database versions not stated): gnomAD 0.00001; TOPMed 0.00001; ExAC 0.00002; gnomAD exomes 0.00004.
gnomAD v4.1: 55 of 1,613,992 alleles (0.0034%); highest among the groups gnomAD compares: South Asian, 0.0066%; no homozygotes.

Submission:

Labcorp Genetics (formerly Invitae), Labcorp
Classification: Uncertain significance for Spastic paraplegia. Last evaluated: 2022-08-13. Review status: criteria provided, single submitter. Criteria: Invitae Variant Classification Sherloc (09022015). Collection method: clinical testing. Allele origin: germline.
Comment: This sequence change replaces arginine, which is basic and polar, with glutamine, which is neutral and polar, at codon 1602 of the ZFYVE26 protein (p.Arg1602Gln). This variant is present in population databases (rs769331617, gnomAD 0.007%). This variant has not been reported in the literature in individuals affected with ZFYVE26-related conditions. Algorithms developed to predict the effect of missense changes on protein structure and function output the following: SIFT: "Tolerated"; PolyPhen-2: "Benign"; Align-GVGD: "Class C0". The glutamine amino acid residue is found in multiple mammalian species, which suggests that this missense change does not adversely affect protein function. In summary, the available evidence is currently insufficient to determine the role of this variant in disease. Therefore, it has been classified as a Variant of Uncertain Significance.